The following is an entry in ClinVar:

NM_004655.4(AXIN2):c.130C>T (p.Gln44Ter)

Gene: AXIN2 (axin 2; minus strand). Cytogenetic location: 17q24.1.
Variant type: single nucleotide variant.
Coding change: c.130C>T on transcript NM_004655.4 (MANE Select); coding-DNA position 130, C replaced by T.
Protein change: p.Gln44Ter; replaces glutamine 44 with a stop codon.
Molecular consequence: nonsense.
Genome position (GRCh38, 1-based): chr17:65,558,491, G>A on the plus strand (C>T on the coding strand, the complement: AXIN2 is on the minus strand). VCF-style: chr17-65558491-G-A. GRCh37 (hg19) VCF-style: chr17-63554609-G-A.
Other names: c.130C>T, p.Gln44Ter (NM_001363813.1); short protein forms Q44*.
Identifiers: ClinVar variation 2583402 (VCV002583402.3), dbSNP rs2544254960, ClinGen allele CA400682099.

ClinVar aggregate classification (germline): Pathogenic. Review status: criteria provided, multiple submitters, no conflicts (2 of 4 stars). 2 submissions from 2 submitters: Pathogenic (2). Last evaluated 2025-12-22.

Conditions:
Oligodontia-cancer predisposition syndrome. Also called: TOOTH AGENESIS-COLORECTAL CANCER SYNDROME. Identifiers: Orphanet 300576, MedGen C1837750, MONDO:0012075, OMIM 608615. Disease mechanism: loss of function.

Submissions (2):

Labcorp Genetics (formerly Invitae), Labcorp
Classification: Pathogenic for Oligodontia-cancer predisposition syndrome. Last evaluated: 2025-12-22. Review status: criteria provided, single submitter. Criteria: Invitae Variant Classification Sherloc (09022015). Collection method: clinical testing. Allele origin: germline.
Comment: This sequence change creates a premature translational stop signal (p.Gln44*) in the AXIN2 gene. It is expected to result in an absent or disrupted protein product. Loss-of-function variants in AXIN2 are known to be pathogenic (PMID: 15042511, 21416598). This variant is not present in population databases (gnomAD no frequency). This variant has not been reported in the literature in individuals affected with AXIN2-related conditions. ClinVar contains an entry for this variant (Variation ID: 2583402). For these reasons, this variant has been classified as Pathogenic.

Myriad Genetics, Inc.
Classification: Pathogenic for Oligodontia-cancer predisposition syndrome. Last evaluated: 2023-05-17. Review status: criteria provided, single submitter. Criteria: Myriad Autosomal Dominant, Autosomal Recessive and X-Linked Classification Criteria (2023). Collection method: clinical testing. Allele origin: unknown.
Comment: This variant is considered pathogenic. This variant creates a termination codon and is predicted to result in premature protein truncation.

Literature cited by the submitters: PubMed 15042511 (cited by Labcorp Genetics (formerly Invitae), Labcorp); PubMed 21416598 (cited by Labcorp Genetics (formerly Invitae), Labcorp).